The following is an entry in ClinVar:

ClinVar aggregate classification (germline): Likely benign (1 of 4 stars; one submission).

Conditions:
GDAP1-related disorder. Also called: GDAP1-related disorders; GDAP1-related condition.

gnomAD v4.1: 49 of 1,004,192 alleles (0.0049%); highest among the groups gnomAD compares: Admixed American, 0.019%; no homozygotes.

Submission:

PreventionGenetics, part of Exact Sciences
Classification: Likely benign for GDAP1-related condition. Last evaluated: 2026-03-30. Review status: criteria provided, single submitter. Criteria: ACMG Guidelines, 2015. Collection method: clinical testing. Allele origin: germline.
Comment: This variant is classified as likely benign based on ACMG/AMP sequence variant interpretation guidelines (Richards et al. 2015 PMID: 25741868, with internal and published modifications).

NM_018972.4(GDAP1):c.579+39C>T

Gene: GDAP1 (ganglioside induced differentiation associated protein 1; plus strand). Cytogenetic location: 8q21.11.
Variant type: single nucleotide variant.
Coding change: c.579+39C>T on transcript NM_018972.4 (MANE Select); 39 bases into the intron after coding-DNA position 579, C replaced by T.
Molecular consequence: intron variant.
Genome position (GRCh38, 1-based): chr8:74,362,017, C>T. VCF-style: chr8-74362017-C-T. GRCh37 (hg19) VCF-style: chr8-75274252-C-T.
Other names: c.579+39C>T (NM_001362931.2); c.405+39C>T (NM_001362930.2); c.252+39C>T (NM_001362929.2, NM_001362932.2); c.375+39C>T (NM_001040875.4).
Identifiers: ClinVar variation 4989641 (VCV004989641.1).